The following is an entry in ClinVar:

ClinVar aggregate classification (germline): Likely pathogenic (1 of 4 stars; one submission).

Conditions:
Wiedemann-Steiner syndrome (WDSTS). Also called: Growth deficiency and mental retardation with facial dysmorphism. Identifiers: Orphanet 319182, MedGen C1854630, MONDO:0011518, OMIM 605130.

Submission:

3billion
Classification: Likely pathogenic for Wiedemann-Steiner syndrome. Last evaluated: 2025-01-24. Review status: criteria provided, single submitter. Criteria: ACMG Guidelines, 2015. Collection method: clinical testing. Allele origin: germline. Affected: yes.
Comment: The variant is not observed in the gnomAD v4.1.0 dataset. Predicted Consequence/Location: Stop-gained (nonsense): predicted to result in a loss or disruption of normal protein function through nonsense-mediated decay (NMD) or protein truncation. Multiple pathogenic variants are reported downstream of the variant. Therefore, this variant is classified as Likely pathogenic according to the recommendation of ACMG/AMP guideline.

NM_001197104.2(KMT2A):c.7936G>T (p.Glu2646Ter)

Gene: KMT2A (lysine methyltransferase 2A; plus strand). Cytogenetic location: 11q23.3.
Variant type: single nucleotide variant.
Coding change: c.7936G>T on transcript NM_001197104.2 (MANE Select); coding-DNA position 7936, G replaced by T.
Protein change: p.Glu2646Ter; replaces glutamic acid 2646 with a stop codon.
Molecular consequence: nonsense.
Genome position (GRCh38, 1-based): chr11:118,503,828, G>T. VCF-style: chr11-118503828-G-T. GRCh37 (hg19) VCF-style: chr11-118374543-G-T.
Other names: c.8026G>T, p.Glu2676Ter (NM_001412597.1); c.7927G>T, p.Glu2643Ter (NM_005933.4); short protein forms E2643*, E2646*, E2676*.
Identifiers: ClinVar variation 4292825 (VCV004292825.1).